The following is an entry in ClinVar:

ClinVar aggregate classification (germline): Benign/Likely benign. Review status: criteria provided, multiple submitters, no conflicts (2 of 4 stars). 6 submissions from 6 submitters: Benign (1); Likely benign (3). 2 of the submissions do not count toward it. Last evaluated 2026-02-01.

Conditions:
Joubert syndrome. Also called: Familial aplasia of the vermis; JOUBERT-BOLTSHAUSER SYNDROME. Identifiers: Orphanet 475, MedGen C5979921, MONDO:0018772.
Orofaciodigital syndrome I (OFD1). Also called: Oral-Facial-Digital Syndrome Type I; Papillon-Leage and Psaume Syndrome; OFDS I. Identifiers: Orphanet 2750, MedGen C1510460, MONDO:0010702, OMIM 311200.

Allele frequency attached by ClinVar (database versions not stated): 1000 Genomes Project 30x 0.00395; gnomAD exomes 0.00021 and 0.00057; ExAC 0.00087; ESP Exome Variant Server 0.00152; gnomAD 0.00193 and 0.00200; TOPMed 0.00225; 1000 Genomes Project 0.00344.

Submissions (6):

Labcorp Genetics (formerly Invitae), Labcorp
Classification: Benign for Orofaciodigital syndrome I; Joubert syndrome. Last evaluated: 2026-02-01. Review status: criteria provided, single submitter. Criteria: Invitae Variant Classification Sherloc (09022015). Collection method: clinical testing. Allele origin: germline.

Blueprint Genetics
Classification: Likely benign. Last evaluated: 2024-07-18. Review status: criteria provided, single submitter. Criteria: ACMG Guidelines, 2015. Collection method: clinical testing. Allele origin: germline.

GeneDx
Classification: Likely benign. Last evaluated: 2017-12-11. Review status: criteria provided, single submitter. Criteria: GeneDx Variant Classification (06012015). Collection method: clinical testing. Allele origin: germline. Affected: yes.
Comment: This variant is considered likely benign or benign based on one or more of the following criteria: it is a conservative change, it occurs at a poorly conserved position in the protein, it is predicted to be benign by multiple in silico algorithms, and/or has population frequency not consistent with disease.

PreventionGenetics, part of Exact Sciences
Classification: Likely benign. Review status: criteria provided, single submitter. Criteria: ACMG Guidelines, 2015. Collection method: clinical testing. Allele origin: germline.

Clinical Genetics, Academic Medical Center
Classification: Likely benign. Review status: no assertion criteria provided. Collection method: clinical testing. Allele origin: germline. Affected: yes. Study: VKGL Data-share Consensus. Not counted in ClinVar's aggregate classification.

Genome Diagnostics Laboratory, University Medical Center Utrecht
Classification: Likely benign. Review status: no assertion criteria provided. Collection method: clinical testing. Allele origin: germline. Affected: yes. Study: VKGL Data-share Consensus. Not counted in ClinVar's aggregate classification.

NM_003611.3(OFD1):c.517+20T>C

Gene: OFD1 (OFD1 centriole and centriolar satellite protein; plus strand). Cytogenetic location: Xp22.2.
Variant type: single nucleotide variant.
Coding change: c.517+20T>C on transcript NM_003611.3 (MANE Select); 20 bases into the intron after coding-DNA position 517, T replaced by C.
Molecular consequence: intron variant.
Genome position (GRCh38, 1-based): chrX:13,744,539, T>C. VCF-style: chrX-13744539-T-C. GRCh37 (hg19) VCF-style: chrX-13762658-T-C.
Other names: c.97+20T>C (NM_001330210.2); c.517+20T>C (NM_001330209.2).
Identifiers: ClinVar variation 259100 (VCV000259100.14), dbSNP rs139112266, ClinGen allele CA10351629.